The following is an entry in ClinVar:

ClinVar aggregate classification (germline): Uncertain significance. Review status: criteria provided, multiple submitters, no conflicts (2 of 4 stars). 2 submissions from 2 submitters: Uncertain significance (2). Last evaluated 2024-12-06.

Conditions:
Inborn genetic diseases. Identifiers: MedGen C0950123, MeSH D030342.
Baller-Gerold syndrome (BGS). Also called: CRANIOSYNOSTOSIS WITH RADIAL DEFECTS. Identifiers: Orphanet 1225, MedGen C0265308, MONDO:0009039, OMIM 218600.

gnomAD v4.1: 2 of 1,591,756 alleles (0.00013%); highest among the groups gnomAD compares: East Asian, 0.0023%; no homozygotes.

Submissions (2):

Ambry Genetics
Classification: Uncertain significance for Inborn genetic diseases. Last evaluated: 2024-12-06. Review status: criteria provided, single submitter. Criteria: Ambry Variant Classification Scheme 2023. Collection method: clinical testing. Allele origin: germline.
Comment: The p.A903T variant (also known as c.2707G>A), located in coding exon 15 of the RECQL4 gene, results from a G to A substitution at nucleotide position 2707. The alanine at codon 903 is replaced by threonine, an amino acid with similar properties. This amino acid position is conserved. Based on the available evidence, the clinical significance of this variant remains unclear.

Labcorp Genetics (formerly Invitae), Labcorp
Classification: Uncertain significance for Baller-Gerold syndrome. Last evaluated: 2022-08-20. Review status: criteria provided, single submitter. Criteria: Invitae Variant Classification Sherloc (09022015). Collection method: clinical testing. Allele origin: germline.
Comment: In summary, the available evidence is currently insufficient to determine the role of this variant in disease. Therefore, it has been classified as a Variant of Uncertain Significance. Experimental studies and prediction algorithms are not available or were not evaluated, and the functional significance of this variant is currently unknown. ClinVar contains an entry for this variant (Variation ID: 1003364). This variant has not been reported in the literature in individuals affected with RECQL4-related conditions. This variant is not present in population databases (gnomAD no frequency). This sequence change replaces alanine, which is neutral and non-polar, with threonine, which is neutral and polar, at codon 903 of the RECQL4 protein (p.Ala903Thr).

NM_004260.4(RECQL4):c.2707G>A (p.Ala903Thr)

Gene: RECQL4 (RecQ like helicase 4; minus strand). Cytogenetic location: 8q24.3.
Variant type: single nucleotide variant.
Coding change: c.2707G>A on transcript NM_004260.4 (MANE Select); coding-DNA position 2707, G replaced by A.
Protein change: p.Ala903Thr; replaces alanine 903 with threonine.
Molecular consequence: missense variant.
Genome position (GRCh38, 1-based): chr8:144,512,895, C>T on the plus strand (G>A on the coding strand, the complement: RECQL4 is on the minus strand). VCF-style: chr8-144512895-C-T. GRCh37 (hg19) VCF-style: chr8-145738278-C-T.
Other names: c.2707G>A (NM_004260.3); short protein forms A903T.
Identifiers: ClinVar variation 1003364 (VCV001003364.6), dbSNP rs1827522325, ClinGen allele CA372675080.